The following is an entry in ClinVar:

NM_002361.4(MAG):c.1246C>T (p.Leu416Phe)

Gene: MAG (myelin associated glycoprotein; plus strand). Cytogenetic location: 19q13.12.
Variant type: single nucleotide variant.
Coding change: c.1246C>T on transcript NM_002361.4 (MANE Select); coding-DNA position 1246, C replaced by T.
Protein change: p.Leu416Phe; replaces leucine 416 with phenylalanine.
Molecular consequence: missense variant.
Genome position (GRCh38, 1-based): chr19:35,309,888, C>T. VCF-style: chr19-35309888-C-T. GRCh37 (hg19) VCF-style: chr19-35800791-C-T.
Other names: c.1171C>T, p.Leu391Phe (NM_001199216.2); c.1246C>T, p.Leu416Phe (NM_080600.3); short protein forms L416F, L391F.
Identifiers: ClinVar variation 2182093 (VCV002182093.1), dbSNP rs763523619, ClinGen allele CA9376221.

ClinVar aggregate classification (germline): Uncertain significance (1 of 4 stars; one submission).

Conditions:
Hereditary spastic paraplegia 75. Also called: Spastic paraplegia 75, autosomal recessive. Identifiers: Orphanet 459056, MedGen C4225250, MONDO:0014729, OMIM 616680.

Allele frequency attached by ClinVar (database versions not stated): gnomAD exomes 0.00001; gnomAD 0.00002; ExAC 0.00005; TOPMed 0.00007.
gnomAD v4.1: 21 of 1,611,280 alleles (0.0013%); highest among the groups gnomAD compares: Admixed American, 0.022%; no homozygotes.

Submission:

Labcorp Genetics (formerly Invitae), Labcorp
Classification: Uncertain significance for Hereditary spastic paraplegia 75. Last evaluated: 2022-10-18. Review status: criteria provided, single submitter. Criteria: Invitae Variant Classification Sherloc (09022015). Collection method: clinical testing. Allele origin: germline.
Comment: This sequence change replaces leucine, which is neutral and non-polar, with phenylalanine, which is neutral and non-polar, at codon 416 of the MAG protein (p.Leu416Phe). This variant is present in population databases (rs763523619, gnomAD 0.03%). This variant has not been reported in the literature in individuals affected with MAG-related conditions. Advanced modeling of protein sequence and biophysical properties (such as structural, functional, and spatial information, amino acid conservation, physicochemical variation, residue mobility, and thermodynamic stability) has been performed at Invitae for this missense variant, however the output from this modeling did not meet the statistical confidence thresholds required to predict the impact of this variant on MAG protein function. In summary, the available evidence is currently insufficient to determine the role of this variant in disease. Therefore, it has been classified as a Variant of Uncertain Significance.